The following is an entry in ClinVar:

NM_000531.6(OTC):c.530T>C (p.Leu177Pro)

Gene: OTC (ornithine transcarbamylase; plus strand). Cytogenetic location: Xp11.4.
Variant type: single nucleotide variant.
Coding change: c.530T>C on transcript NM_000531.6 (MANE Select); coding-DNA position 530, T replaced by C.
Protein change: p.Leu177Pro; replaces leucine 177 with proline.
Molecular consequence: missense variant.
Genome position (GRCh38, 1-based): chrX:38,401,418, T>C. VCF-style: chrX-38401418-T-C. GRCh37 (hg19) VCF-style: chrX-38260671-T-C.
Other names: short protein forms L177P.
Identifiers: ClinVar variation 1040209 (VCV001040209.9), dbSNP rs2068487036, ClinGen allele CA412724094.

ClinVar aggregate classification (germline): Uncertain significance (1 of 4 stars; one submission).

Conditions:
Ornithine carbamoyltransferase deficiency (OTCD). Also called: ORNITHINE TRANSCARBAMYLASE DEFICIENCY, HYPERAMMONEMIA DUE TO; Ornithine Carbamoyltransferase Deficiency Disease; ORNITHINE TRANSCARBAMYLASE DEFICIENCY; OTC DEFICIENCY. Identifiers: Orphanet 664, MedGen C0268542, MONDO:0010703, OMIM 311250.

Submission:

Labcorp Genetics (formerly Invitae), Labcorp
Classification: Uncertain significance for Ornithine carbamoyltransferase deficiency. Last evaluated: 2020-06-26. Review status: criteria provided, single submitter. Criteria: Invitae Variant Classification Sherloc (09022015). Collection method: clinical testing. Allele origin: germline.
Comment: This variant has not been reported in the literature in individuals with OTC-related conditions. Algorithms developed to predict the effect of missense changes on protein structure and function (SIFT, PolyPhen-2, Align-GVGD) all suggest that this variant is likely to be disruptive, but these predictions have not been confirmed by published functional studies and their clinical significance is uncertain. In summary, the available evidence is currently insufficient to determine the role of this variant in disease. Therefore, it has been classified as a Variant of Uncertain Significance. This sequence change replaces leucine with proline at codon 177 of the OTC protein (p.Leu177Pro). The leucine residue is highly conserved and there is a moderate physicochemical difference between leucine and proline. This variant is not present in population databases (ExAC no frequency).